The following is an entry in ClinVar:

ClinVar aggregate classification (germline): Likely pathogenic (1 of 4 stars; one submission).

Conditions:
Bifunctional peroxisomal enzyme deficiency (DBIF). Also called: DBP DEFICIENCY; PBFE DEFICIENCY; D-bifunctional protein deficiency. Identifiers: Orphanet 300, MedGen C0342870, MONDO:0009855, OMIM 261515. Disease mechanism: loss of function.

Submission:

Natera, Inc.
Classification: Likely pathogenic for Bifunctional peroxisomal enzyme deficiency. Last evaluated: 2025-09-13. Review status: criteria provided, single submitter. Criteria: Natera Variant Classification Schema (03/2026). Collection method: clinical testing. Allele origin: germline.
Comment: The c.1972_1973dup variant in HSD17B4 is a frameshift variant predicted to shift the reading frame beginning at codon 659 and leads to a stop codon 11 codons downstream. This variant is expected to result in nonsense mediated decay, truncation, or a dysfunctional protein product. This variant is rare in the general population with a frequency below the threshold expected for the associated phenotype(s). Given the available evidence, this variant is classified as Likely Pathogenic.

NM_000414.4(HSD17B4):c.1972_1973dup (p.Asn659fs)

Gene: HSD17B4 (hydroxysteroid 17-beta dehydrogenase 4; plus strand). Cytogenetic location: 5q23.1.
Variant type: Duplication.
Coding change: c.1972_1973dup on transcript NM_000414.4 (MANE Select); coding-DNA positions 1972 to 1973, 2 bases duplicated (GG; older notation c.1972_1973dupGG).
Protein change: p.Asn659fs; shifts the reading frame from asparagine 659.
Molecular consequence: frameshift variant. On other transcripts: non-coding transcript variant (2).
Genome position (GRCh38, 1-based): chr5:119,531,383-119,531,384, GG duplicated. VCF-style (leftmost placement, unchanged base first): chr5-119531382-C-CGG. GRCh37 (hg19) VCF-style: chr5-118867077-C-CGG.
Other names: c.2047_2048dup, p.Asn684fs (NM_001199291.3); c.1918_1919dup, p.Asn641fs (NM_001199292.2); c.1900_1901dup, p.Asn635fs (NM_001292027.2, NM_001374498.1); c.1552_1553dup, p.Asn519fs (NM_001292028.2); c.1963_1964dup, p.Asn656fs (NM_001374497.1); c.1645_1646dup, p.Asn550fs (NM_001374499.1); c.1531_1532dup, p.Asn512fs (NM_001374500.1); c.1561_1562dup, p.Asn522fs (NM_001374501.1, NM_001374502.1, NM_001374503.1); short protein forms N512fs, N519fs, N522fs, N550fs, N635fs, N641fs, N656fs, N659fs.
Identifiers: ClinVar variation 4818347 (VCV004818347.1).